The following is an entry in ClinVar:

ClinVar aggregate classification (germline): Uncertain significance (1 of 4 stars; one submission).

gnomAD v4.1: 1 of 1,546,688 alleles (0.000065%); highest among the groups gnomAD compares: South Asian, 0.0012%; no homozygotes.

Submission:

GeneDx
Classification: Uncertain significance. Last evaluated: 2022-01-31. Review status: criteria provided, single submitter. Criteria: GeneDx Variant Classification Process June 2021. Collection method: clinical testing. Allele origin: germline. Affected: yes.
Comment: Has not been previously published as pathogenic or benign to our knowledge; Not observed at significant frequency in large population cohorts (gnomAD); In-silico analysis is inconclusive as to whether the variant alters gene splicing. In the absence of RNA/functional studies, the actual effect of this sequence change is unknown.

NM_001267550.2(TTN):c.32393-9C>A

Gene: TTN (titin; minus strand). Cytogenetic location: 2q31.2.
Variant type: single nucleotide variant.
Coding change: c.32393-9C>A on transcript NM_001267550.2 (MANE Select); 9 bases into the intron before coding-DNA position 32393, C replaced by A.
Molecular consequence: intron variant.
Genome position (GRCh38, 1-based): chr2:178,685,339, G>T on the plus strand (C>A on the coding strand, the complement: TTN is on the minus strand). VCF-style: chr2-178685339-G-T. GRCh37 (hg19) VCF-style: chr2-179550066-G-T.
Other names: c.13283-43022C>A (NM_003319.4); c.13859-43022C>A (NM_133437.4); c.13658-43022C>A (NM_133432.3); c.28661-9C>A (NM_133378.4); c.31442-9C>A (NM_001256850.1).
Identifiers: ClinVar variation 1699595 (VCV001699595.2), dbSNP rs2154275381, ClinGen allele CA2580065095.